The following is an entry in ClinVar:

ClinVar aggregate classification (germline): Uncertain significance (1 of 4 stars; one submission).

Submission:

Labcorp Genetics (formerly Invitae), Labcorp
Classification: Uncertain significance. Last evaluated: 2023-11-18. Review status: criteria provided, single submitter. Criteria: Invitae Variant Classification Sherloc (09022015). Collection method: clinical testing. Allele origin: germline.
Comment: This sequence change creates a premature translational stop signal (p.Lys18*) in the NLRP1 gene. It is expected to result in an absent or disrupted protein product. However, the current clinical and genetic evidence is not sufficient to establish whether loss-of-function variants in NLRP1 cause disease. This variant is not present in population databases (gnomAD no frequency). This variant has not been reported in the literature in individuals affected with NLRP1-related conditions. In summary, the available evidence is currently insufficient to determine the role of this variant in disease. Therefore, it has been classified as a Variant of Uncertain Significance.

NM_033004.4(NLRP1):c.52A>T (p.Lys18Ter)

Genes: NLRP1 (NLR family pyrin domain containing 1; minus strand), LOC126862475 (CDK7 strongly-dependent group 2 enhancer GRCh37_chr17:5487167-5488366; plus strand). Cytogenetic location: 17p13.2.
Variant type: single nucleotide variant.
Coding change: c.52A>T on transcript NM_033004.4 (MANE Select); coding-DNA position 52, A replaced by T.
Protein change: p.Lys18Ter; replaces lysine 18 with a stop codon.
Molecular consequence: nonsense.
Genome position (GRCh38, 1-based): chr17:5,583,906, T>A on the plus strand (A>T on the coding strand, the complement: NLRP1 is on the minus strand). VCF-style: chr17-5583906-T-A. GRCh37 (hg19) VCF-style: chr17-5487226-T-A.
Other names: c.52A>T, p.Lys18Ter (NM_001033053.3, NM_014922.5, NM_033006.4 and 1 more transcripts); short protein forms K18*.
Identifiers: ClinVar variation 3004646 (VCV003004646.3), dbSNP rs1165171576, ClinGen allele CA397391294.
Genomic context (GRCh38, chr17:5,583,906, plus strand): 5'-AAGAGCTCCTGGAGTGCGCTTTATTGGCGAGCAGAAGCTGGAACTCCTTCAGCTCCTCCT[T>A]CTTCAGGAACTCCAAGTAACAGGCCAGGCGGCCCCAGGCTCCGCCAGCCATCTCTGTCCC-3'